The following is an entry in ClinVar:

ClinVar aggregate classification (germline): Uncertain significance (1 of 4 stars; one submission).
ClinVar aggregate classification (somatic clinical impact): Tier I - Strong (1 of 4 stars; one submission).

Conditions:
Medulloblastoma WNT activated. Identifiers: MedGen C4331965, MONDO:0850196.

Submissions (2):

Institute for Genomic Medicine (IGM) Clinical Laboratory, Nationwide Children's Hospital
Classification: Tier I - Strong for Medulloblastoma WNT activated. Assertion type: diagnostic. Clinical significance: supports diagnosis. Last evaluated: 2024-10-14. Review status: criteria provided, single submitter. Criteria: AMP/ASCO/CAP Guidelines, 2017. Collection method: clinical testing. Allele origin: somatic. Affected: yes.
Comment: Variant has Tier I (strong) clinical significance as a diagnostic inclusion criterion in medulloblastoma WNT activated, based on the following evidence: 1) Documented in one or more cancer databases (e.g., St. Jude Pecan, COSMIC, CIViC, OncoKB). 2) Appears in one or more well-established professional guidelines (e.g., World Health Organization [WHO]; National Comprehensive Cancer Network [NCCN]) as providing diagnostic, prognostic, or therapeutic information. 3) Information in the literature supports potential biologic effect of variant (PMIDs: 26627007, 31996845, 22120714). 4) Diagnostic for a specific tumor type/classification based on well-powered studies with expert-level consensus (Evidence Level B; PMIDs: 28726821, 22722829).

Blueprint Genetics
Classification: Uncertain significance. Last evaluated: 2020-02-12. Review status: criteria provided, single submitter. Criteria: ACMG Guidelines, 2015. Collection method: clinical testing. Allele origin: germline.

Literature cited by the submitters: PubMed 26627007 (cited by Institute for Genomic Medicine (IGM) Clinical Laboratory, Nationwide Children's Hospital); PubMed 31996845 (cited by Institute for Genomic Medicine (IGM) Clinical Laboratory, Nationwide Children's Hospital); PubMed 22120714 (cited by Institute for Genomic Medicine (IGM) Clinical Laboratory, Nationwide Children's Hospital); PubMed 28726821 (cited by Institute for Genomic Medicine (IGM) Clinical Laboratory, Nationwide Children's Hospital); PubMed 22722829 (cited by Institute for Genomic Medicine (IGM) Clinical Laboratory, Nationwide Children's Hospital).

NM_006218.4(PIK3CA):c.3145G>C (p.Gly1049Arg)

Gene: PIK3CA (phosphatidylinositol-4,5-bisphosphate 3-kinase catalytic subunit alpha; plus strand). Cytogenetic location: 3q26.32.
Variant type: single nucleotide variant.
Coding change: c.3145G>C on transcript NM_006218.4 (MANE Select); coding-DNA position 3145, G replaced by C.
Protein change: p.Gly1049Arg; replaces glycine 1049 with arginine.
Molecular consequence: missense variant.
Genome position (GRCh38, 1-based): chr3:179,234,302, G>C. VCF-style: chr3-179234302-G-C. GRCh37 (hg19) VCF-style: chr3-178952090-G-C.
Other names: short protein forms G1049R.
Identifiers: ClinVar variation 4530373 (VCV004530373.2), dbSNP rs121913277.
Genomic context (GRCh38, chr3:179,234,302, plus strand): 5'-GATAAAACTGAGCAAGAGGCTTTGGAGTATTTCATGAAACAAATGAATGATGCACATCAT[G>C]GTGGCTGGACAACAAAAATGGATTGGATCTTCCACACAATTAAACAGCATGCATTGAACT-3'
Protein context (NP_006209.2, residues 1039-1059): FMKQMNDAHH[Gly1049Arg]GWTTKMDWIF